The following is an entry in ClinVar:

NM_000038.6(APC):c.7849_7853del (p.Lys2616_Glu2617insTer)

Gene: APC (APC regulator of Wnt signaling pathway; plus strand). Cytogenetic location: 5q22.2.
Variant type: Deletion.
Coding change: c.7849_7853del on transcript NM_000038.6 (MANE Select); coding-DNA positions 7849 to 7853, 5 bases deleted (GAAAA; older notation c.7849_7853delGAAAA).
Protein change: p.Lys2616_Glu2617insTer.
Molecular consequence: nonsense. On other transcripts: non-coding transcript variant (2).
Genome position (GRCh38, 1-based): chr5:112,843,443-112,843,447, GAAAA deleted; deleting any 5 consecutive bases within chr5:112,843,439-112,843,447 gives the same sequence; the c. name uses the placement nearest the transcript's 3' end. VCF-style (leftmost placement, unchanged base first): chr5-112843438-TAAAAG-T. GRCh37 (hg19) VCF-style: chr5-112179135-TAAAAG-T.
Other names: c.6697_6701del, p.Lys2232_Glu2233insTer (NM_001407472.1, NM_001407471.1); c.7849_7853del, p.Lys2616_Glu2617insTer (NM_001127510.3, NM_001354895.2, NM_001407450.1); c.7795_7799del, p.Lys2598_Glu2599insTer (NM_001127511.3); c.7903_7907del, p.Lys2634_Glu2635insTer (NM_001354896.2, NM_001407447.1, NM_001407448.1 and 1 more transcripts); c.7879_7883del, p.Lys2626_Glu2627insTer (NM_001354897.2); c.7774_7778del, p.Lys2591_Glu2592insTer (NM_001354898.2); c.7765_7769del, p.Lys2588_Glu2589insTer (NM_001354899.2); c.7726_7730del, p.Lys2575_Glu2576insTer (NM_001354900.2); and 12 more.
Identifiers: ClinVar variation 2584007 (VCV002584007.9), dbSNP rs1309569258, ClinGen allele CA802028346.

ClinVar aggregate classification (germline): Pathogenic/Likely pathogenic. Review status: criteria provided, multiple submitters, no conflicts (2 of 4 stars). 7 submissions from 7 submitters: Pathogenic (5); Likely pathogenic (2). Last evaluated 2025-06-30.

Conditions:
Familial adenomatous polyposis 1 (FAP1). Also called: FAMILIAL ADENOMATOUS POLYPOSIS 1, ATTENUATED; POLYPOSIS, ADENOMATOUS INTESTINAL. Identifiers: MedGen C2713442, MONDO:0021056, OMIM 175100. Disease mechanism: loss of function.
Classic or attenuated familial adenomatous polyposis. Identifiers: MedGen CN372698, MONDO:0021057.
Hereditary cancer-predisposing syndrome. Also called: Neoplastic Syndromes, Hereditary; Tumor predisposition; Hereditary Cancer Syndrome; Hereditary neoplastic syndrome. Identifiers: Orphanet 140162, MedGen C0027672, MeSH D009386, MONDO:0015356.

Submissions (7):

Labcorp Genetics (formerly Invitae), Labcorp
Classification: Pathogenic for Familial adenomatous polyposis 1. Last evaluated: 2025-06-30. Review status: criteria provided, single submitter. Criteria: Invitae Variant Classification Sherloc (09022015). Collection method: clinical testing. Allele origin: germline.
Comment: This sequence change creates a premature translational stop signal (p.Glu2617*) in the APC gene. While this is not anticipated to result in nonsense mediated decay, it is expected to disrupt the last 227 amino acid(s) of the APC protein. This variant is not present in population databases (gnomAD no frequency). This variant has not been reported in the literature in individuals affected with APC-related conditions. ClinVar contains an entry for this variant (Variation ID: 2584007). This variant is expected to disrupt the EB1 and HDLG binding sites, which mediate interactions with the cytoskeleton (PMID: 15311282, 17293347). While functional studies have not been performed to directly test the effect on APC protein function, this suggests that disruption of the C-terminal portion of the protein is functionally important. A different truncation (p.Tyr2645Lysfs*14) that lies downstream of this variant has been determined to be pathogenic (PMID: 9824584, 1316610, 27081525, 8381579, 22135120, internal data). This suggests that deletion of this region of the APC protein is causative of disease. For these reasons, this variant has been classified as Pathogenic.

Ambry Genetics
Classification: Likely pathogenic for Hereditary cancer-predisposing syndrome. Last evaluated: 2025-03-17. Review status: criteria provided, single submitter. Criteria: Ambry Variant Classification Scheme 2023. Collection method: clinical testing. Allele origin: germline.
Comment: The c.7849_7853delGAAAA variant, located in coding exon 15 of the APC gene, results from a deletion of 5 nucleotides at nucleotide positions 7849 to 7853, causing a translational frameshift with a predicted alternate stop codon (p.E2617*). This alteration occurs at the 3' terminus of theAPC gene, is not expected to trigger nonsense-mediated mRNA decay, and impacts the last 8% of the protein. However, premature stop codons are typically deleterious in nature and a significant portion of the protein is affected (Ambry internal data). This variant is considered to be rare based on population cohorts in the Genome Aggregation Database (gnomAD). Based on the majority of available evidence to date, this variant is likely to be pathogenic.

Color Diagnostics, LLC DBA Color Health
Classification: Pathogenic for Hereditary cancer-predisposing syndrome. Last evaluated: 2024-11-05. Review status: criteria provided, single submitter. Criteria: ACMG Guidelines, 2015. Collection method: clinical testing. Allele origin: germline.
Comment: This variant deletes 5 nucleotides in exon 16 of the APC gene, creating a frameshift and premature translation stop signal in the last coding exon. This variant is predicted to escape nonsense-mediated decay and be expressed as a truncated protein. Although functional studies have not been reported, this variant is expected to disrupt the EB1 and HDLG binding domains (PMID: 11257105). To our knowledge, this variant has not been reported in individuals affected with APC-related disorders in the literature. This variant has not been identified in the general population by the Genome Aggregation Database (gnomAD). Loss of APC function is a known mechanism of disease. Based on the available evidence, this variant is classified as Pathogenic.

All of Us Research Program, National Institutes of Health
Classification: Pathogenic for Classic or attenuated familial adenomatous polyposis. Last evaluated: 2024-01-08. Review status: criteria provided, single submitter. Criteria: ACMG Guidelines, 2015. Collection method: clinical testing. Allele origin: germline. Inheritance: Autosomal dominant inheritance. Observed: 1 variant allele, 1 heterozygote.
Comment: This variant deletes 5 nucleotides in exon 16 of the APC gene, creating a frameshift and premature translation stop signal in the last coding exon. This variant is predicted to escape nonsense-mediated decay and be expressed as a truncated protein. Although functional studies have not been reported, this variant is expected to disrupt the EB1 and HDLG binding domains (PMID: 11257105). To our knowledge, this variant has not been reported in individuals affected with APC-related disorders in the literature. This variant has not been identified in the general population by the Genome Aggregation Database (gnomAD). Loss of APC function is a known mechanism of disease. Based on the available evidence, this variant is classified as Pathogenic.

This study involves interpretation of variants in research participants for the purpose of population health screening. Participant phenotype was not available at the time of variant classification. Additional details can be found in publication PMID: 35346344, PMCID: PMC8962531

Baylor Genetics
Classification: Pathogenic for Familial adenomatous polyposis 1. Last evaluated: 2023-07-28. Review status: criteria provided, single submitter. Criteria: ACMG Guidelines, 2015. Collection method: clinical testing. Allele origin: unknown.

Myriad Genetics, Inc.
Classification: Pathogenic for Familial adenomatous polyposis 1. Last evaluated: 2023-05-16. Review status: criteria provided, single submitter. Criteria: Myriad Autosomal Dominant, Autosomal Recessive and X-Linked Classification Criteria (2023). Collection method: clinical testing. Allele origin: unknown.
Comment: This variant is considered pathogenic. This variant creates a termination codon and is predicted to result in premature protein truncation.

Juno Genomics, Hangzhou Juno Genomics, Inc
Classification: Likely pathogenic for Familial adenomatous polyposis 1. Review status: criteria provided, single submitter. Criteria: ACMG Guidelines, 2015. Collection method: clinical testing. Allele origin: germline.
Comment: Absent from controls (or at extremely low frequency if recessive) in Genome Aggregation Database.;Null variant in a gene where loss of function (LOF) is a known mechanism of disease.

Literature cited by the submitters: PubMed 15311282 (cited by Labcorp Genetics (formerly Invitae), Labcorp); PubMed 17293347 (cited by Labcorp Genetics (formerly Invitae), Labcorp); PubMed 9824584 (cited by Labcorp Genetics (formerly Invitae), Labcorp); PubMed 1316610 (cited by Labcorp Genetics (formerly Invitae), Labcorp); PubMed 27081525 (cited by Labcorp Genetics (formerly Invitae), Labcorp); PubMed 8381579 (cited by Labcorp Genetics (formerly Invitae), Labcorp); PubMed 22135120 (cited by Labcorp Genetics (formerly Invitae), Labcorp); PubMed 11257105 (cited by Color Diagnostics, LLC DBA Color Health and All of Us Research Program, National Institutes of Health).